The following is an entry in ClinVar:

ClinVar aggregate classification (germline): Uncertain significance (1 of 4 stars; one submission).

Conditions:
Familial adenomatous polyposis 1 (FAP1). Also called: FAMILIAL ADENOMATOUS POLYPOSIS 1, ATTENUATED; POLYPOSIS, ADENOMATOUS INTESTINAL. Identifiers: MedGen C2713442, MONDO:0021056, OMIM 175100. Disease mechanism: loss of function.

Submission:

Labcorp Genetics (formerly Invitae), Labcorp
Classification: Uncertain significance for Familial adenomatous polyposis 1. Last evaluated: 2023-05-25. Review status: criteria provided, single submitter. Criteria: Invitae Variant Classification Sherloc (09022015). Collection method: clinical testing. Allele origin: germline.
Comment: In summary, the available evidence is currently insufficient to determine the role of this variant in disease. Therefore, it has been classified as a Variant of Uncertain Significance. Advanced modeling of protein sequence and biophysical properties (such as structural, functional, and spatial information, amino acid conservation, physicochemical variation, residue mobility, and thermodynamic stability) performed at Invitae indicates that this missense variant is not expected to disrupt APC protein function. This variant has not been reported in the literature in individuals affected with APC-related conditions. This variant is not present in population databases (gnomAD no frequency). This sequence change replaces proline, which is neutral and non-polar, with histidine, which is basic and polar, at codon 1221 of the APC protein (p.Pro1221His).

NM_000038.6(APC):c.3662C>A (p.Pro1221His)

Gene: APC (APC regulator of Wnt signaling pathway; plus strand). Cytogenetic location: 5q22.2.
Variant type: single nucleotide variant.
Coding change: c.3662C>A on transcript NM_000038.6 (MANE Select); coding-DNA position 3662, C replaced by A.
Protein change: p.Pro1221His; replaces proline 1221 with histidine.
Molecular consequence: missense variant. On other transcripts: non-coding transcript variant (2).
Genome position (GRCh38, 1-based): chr5:112,839,256, C>A. VCF-style: chr5-112839256-C-A. GRCh37 (hg19) VCF-style: chr5-112174953-C-A.
Other names: c.3662C>A, p.Pro1221His (NM_001127510.3, NM_001354895.2, NM_001407450.1); c.3608C>A, p.Pro1203His (NM_001127511.3); c.3716C>A, p.Pro1239His (NM_001354896.2, NM_001407447.1, NM_001407448.1 and 1 more transcripts); c.3692C>A, p.Pro1231His (NM_001354897.2); c.3587C>A, p.Pro1196His (NM_001354898.2); c.3578C>A, p.Pro1193His (NM_001354899.2); c.3539C>A, p.Pro1180His (NM_001354900.2); c.3485C>A, p.Pro1162His (NM_001354901.2, NM_001407453.1); and 11 more; short protein forms P1092H, P1162H, P1180H, P1196H, P1249H, P1120H, P1130H, P1193H.
Identifiers: ClinVar variation 2719429 (VCV002719429.3), dbSNP rs771339661, ClinGen allele CA16029372.
Genomic context (GRCh38, chr5:112,839,256, plus strand): 5'-CATCTGGACAAAGCAGTAAAACCGAACATATGTCTTCAAGCAGTGAGAATACGTCCACAC[C>A]TTCATCTAATGCCAAGAGGCAGAATCAGCTCCATCCAAGTTCTGCACAGAGTAGAAGTGG-3'
Protein context (NP_000029.2, residues 1211-1231): MSSSSENTST[Pro1221His]SSNAKRQNQL